The following is an entry in ClinVar:

ClinVar aggregate classification (germline): Uncertain significance (0 of 4 stars; one submission).

Conditions:
CSF1R-related disorder. Also called: CSF1R-related condition. Identifiers: MedGen CN379780, MONDO:0100632.

Allele frequency attached by ClinVar (database versions not stated): gnomAD 0.00001.
gnomAD v4.1: 1 of 1,614,118 alleles (0.000062%); highest among the groups gnomAD compares: African/African-American, 0.0013%; no homozygotes.

Submission:

PreventionGenetics, part of Exact Sciences
Classification: Uncertain significance for CSF1R-related condition. Last evaluated: 2023-10-30. Review status: no assertion criteria provided. Collection method: clinical testing. Allele origin: germline.
Comment: The CSF1R c.1685C>G variant is predicted to result in the amino acid substitution p.Thr562Ser. To our knowledge, this variant has not been reported in the literature or in a large population database, indicating this variant is rare. At this time, the clinical significance of this variant is uncertain due to the absence of conclusive functional and genetic evidence.

NM_001288705.3(CSF1R):c.1685C>G (p.Thr562Ser)

Gene: CSF1R (colony stimulating factor 1 receptor; minus strand). Cytogenetic location: 5q32.
Variant type: single nucleotide variant.
Coding change: c.1685C>G on transcript NM_001288705.3 (MANE Select); coding-DNA position 1685, C replaced by G.
Protein change: p.Thr562Ser; replaces threonine 562 with serine.
Molecular consequence: missense variant. On other transcripts: non-coding transcript variant (2).
Genome position (GRCh38, 1-based): chr5:150,061,791, G>C on the plus strand (C>G on the coding strand, the complement: CSF1R is on the minus strand). VCF-style: chr5-150061791-G-C. GRCh37 (hg19) VCF-style: chr5-149441354-G-C.
Other names: c.1685C>G, p.Thr562Ser (NM_001349736.2, NM_001375320.1, NM_005211.4); c.1241C>G, p.Thr414Ser (NM_001375321.1); short protein forms T414S, T562S.
Identifiers: ClinVar variation 3046193 (VCV003046193.2), dbSNP rs1173478824, ClinGen allele CA361714565.